The following is an entry in ClinVar:

NM_020859.4(SHROOM3):c.3160G>T (p.Val1054Leu)

Genes: SHROOM3 (shroom family member 3; plus strand), SHROOM3-AS1 (SHROOM3 antisense RNA 1; minus strand). Cytogenetic location: 4q21.1.
Variant type: single nucleotide variant.
Coding change: c.3160G>T on transcript NM_020859.4 (MANE Select); coding-DNA position 3160, G replaced by T.
Protein change: p.Val1054Leu; replaces valine 1054 with leucine.
Molecular consequence: missense variant.
Genome position (GRCh38, 1-based): chr4:76,741,333, G>T. VCF-style: chr4-76741333-G-T. GRCh37 (hg19) VCF-style: chr4-77662486-G-T.
Other names: short protein forms V1054L.
Identifiers: ClinVar variation 3056806 (VCV003056806.2), dbSNP rs71607374, ClinGen allele CA2972723.

ClinVar aggregate classification (germline): Benign (0 of 4 stars; one submission).

Conditions:
SHROOM3-related disorder. Also called: SHROOM3-related condition.

Allele frequency attached by ClinVar (database versions not stated): 1000 Genomes Project 0.03774; 1000 Genomes Project 30x 0.03857; ESP Exome Variant Server 0.07108.
gnomAD v4.1: 144,722 of 1,610,922 alleles (9%); highest among the groups gnomAD compares: Non-Finnish European, 11%; 7,338 homozygotes.

Submission:

PreventionGenetics, part of Exact Sciences
Classification: Benign for SHROOM3-related condition. Last evaluated: 2024-03-25. Review status: no assertion criteria provided. Collection method: clinical testing. Allele origin: germline.
Comment: This variant is classified as benign based on ACMG/AMP sequence variant interpretation guidelines (Richards et al. 2015 PMID: 25741868, with internal and published modifications).